The following is an entry in ClinVar:

ClinVar aggregate classification (germline): Uncertain significance. Review status: criteria provided, multiple submitters, no conflicts (2 of 4 stars). 4 submissions from 4 submitters: Uncertain significance (4). Last evaluated 2025-05-13.

Conditions:
Acute myeloid leukemia (AML). Also called: Acute myeloid leukemia, adult; AML adult; Acute non-lymphocytic leukemia; Acute granulocytic leukemia; Leukemia, acute myeloid, somatic; Leukemia, acute myelogenous, somatic. Identifiers: Orphanet 519, MedGen C0023467, MeSH D015470, MONDO:0018874, OMIM 601626, HP:0004808. Disease mechanism: Constitutively activated FLT3.
Piebaldism. Also called: Piebald skin depigmentation. Identifiers: Orphanet 2884, MedGen C0080024, MONDO:0008244, OMIM 172800, HP:0007544.
Gastrointestinal stromal tumor. Also called: Gastrointestinal stroma tumor; Gastrointestinal stromal tumor, somatic. Identifiers: Orphanet 44890, MedGen C0238198, MeSH D046152, MONDO:0011719, OMIM 606764, HP:0100723.
Cutaneous mastocytosis. Also called: MASTOCYTOSIS, MACULOPAPULAR CUTANEOUS. Identifiers: Orphanet 66646, MedGen C1136033, MONDO:0019023, OMIM 154800, HP:0200151.
Germ cell tumor of testis (TGCT). Also called: GERM CELL TUMOR, SOMATIC; Testicular germ cell tumor. Identifiers: Orphanet 363504, MedGen C1336708, MONDO:0010108, OMIM 273300.
Hereditary cancer-predisposing syndrome. Also called: Neoplastic Syndromes, Hereditary; Hereditary Cancer Syndrome; Hereditary neoplastic syndrome; Tumor predisposition. Identifiers: Orphanet 140162, MedGen C0027672, MeSH D009386, MONDO:0015356.

Submissions (4):

Ambry Genetics
Classification: Uncertain significance for Hereditary cancer-predisposing syndrome. Last evaluated: 2025-05-13. Review status: criteria provided, single submitter. Criteria: Ambry Variant Classification Scheme 2023. Collection method: clinical testing. Allele origin: germline.
Comment: The p.L706F variant (also known as c.2116C>T), located in coding exon 14 of the KIT gene, results from a C to T substitution at nucleotide position 2116. The leucine at codon 706 is replaced by phenylalanine, an amino acid with highly similar properties. This amino acid position is well conserved in available vertebrate species. In addition, the in silico prediction for this alteration is inconclusive. Based on the available evidence, the clinical significance of this variant remains unclear.

Fulgent Genetics
Classification: Uncertain significance for Cutaneous mastocytosis; Piebaldism; Germ cell tumor of testis; Acute myeloid leukemia; Gastrointestinal stromal tumor. Last evaluated: 2024-01-02. Review status: criteria provided, single submitter. Criteria: ACMG Guidelines, 2015. Collection method: clinical testing. Allele origin: germline.

Baylor Genetics
Classification: Uncertain significance for Gastrointestinal stromal tumor. Last evaluated: 2023-08-29. Review status: criteria provided, single submitter. Criteria: ACMG Guidelines, 2015. Collection method: clinical testing. Allele origin: unknown.

Labcorp Genetics (formerly Invitae), Labcorp
Classification: Uncertain significance for Gastrointestinal stromal tumor. Last evaluated: 2023-07-07. Review status: criteria provided, single submitter. Criteria: Invitae Variant Classification Sherloc (09022015). Collection method: clinical testing. Allele origin: germline.
Comment: In summary, the available evidence is currently insufficient to determine the role of this variant in disease. Therefore, it has been classified as a Variant of Uncertain Significance. An algorithm developed to predict the effect of missense changes on protein structure and function (PolyPhen-2) suggests that this variant is likely to be disruptive. ClinVar contains an entry for this variant (Variation ID: 657827). This variant has not been reported in the literature in individuals affected with KIT-related conditions. This variant is not present in population databases (gnomAD no frequency). This sequence change replaces leucine, which is neutral and non-polar, with phenylalanine, which is neutral and non-polar, at codon 706 of the KIT protein (p.Leu706Phe).

NM_000222.3(KIT):c.2116C>T (p.Leu706Phe)

Gene: KIT (KIT proto-oncogene, receptor tyrosine kinase; plus strand). Cytogenetic location: 4q12.
Variant type: single nucleotide variant.
Coding change: c.2116C>T on transcript NM_000222.3 (MANE Select); coding-DNA position 2116, C replaced by T.
Protein change: p.Leu706Phe; replaces leucine 706 with phenylalanine.
Molecular consequence: missense variant.
Genome position (GRCh38, 1-based): chr4:54,729,460, C>T. VCF-style: chr4-54729460-C-T. GRCh37 (hg19) VCF-style: chr4-55595626-C-T.
Other names: c.2104C>T, p.Leu702Phe (NM_001093772.2, NM_001385286.1); c.2119C>T, p.Leu707Phe (NM_001385284.1, NM_001385290.1); c.2116C>T, p.Leu706Phe (NM_001385285.1); c.2107C>T, p.Leu703Phe (NM_001385288.1, NM_001385292.1); short protein forms L702F, L706F, L703F, L707F.
Identifiers: ClinVar variation 657827 (VCV000657827.12), dbSNP rs1577998119, ClinGen allele CA356909819.
Genomic context (GRCh38, chr4:54,729,460, plus strand): 5'-CGTGATTCATTTATTTGTTCAAAGCAGGAAGATCATGCAGAAGCTGCACTTTATAAGAAT[C>T]TTCTGCATTCAAAGGAGTCTTCCTGGTAAGACTGATTTACATAAATAGTTAGCTGTTGAC-3'
Protein context (NP_000213.1, residues 696-716): DHAEAALYKN[Leu706Phe]LHSKESSCSD